The following is an entry in ClinVar:

NM_020987.5(ANK3):c.1447C>G (p.Arg483Gly)

Gene: ANK3 (ankyrin 3; minus strand). Cytogenetic location: 10q21.2.
Variant type: single nucleotide variant.
Coding change: c.1447C>G on transcript NM_020987.5 (MANE Select); coding-DNA position 1447, C replaced by G.
Protein change: p.Arg483Gly; replaces arginine 483 with glycine.
Molecular consequence: missense variant.
Genome position (GRCh38, 1-based): chr10:60,200,173, G>C on the plus strand (C>G on the coding strand, the complement: ANK3 is on the minus strand). VCF-style: chr10-60200173-G-C. GRCh37 (hg19) VCF-style: chr10-61959931-G-C.
Other names: c.1429C>G, p.Arg477Gly (NM_001204403.2); c.1396C>G, p.Arg466Gly (NM_001204404.2); c.1447C>G, p.Arg483Gly (NM_001320874.2); short protein forms R477G, R466G, R483G.
Identifiers: ClinVar variation 3674703 (VCV003674703.2).

ClinVar aggregate classification (germline): Uncertain significance (1 of 4 stars; one submission).

gnomAD v4.1: 18 of 1,613,894 alleles (0.0011%); highest among the groups gnomAD compares: Non-Finnish European, 0.0015%; no homozygotes.

Submission:

Labcorp Genetics (formerly Invitae), Labcorp
Classification: Uncertain significance. Last evaluated: 2024-03-03. Review status: criteria provided, single submitter. Criteria: Invitae Variant Classification Sherloc (09022015). Collection method: clinical testing. Allele origin: germline.
Comment: This sequence change replaces arginine, which is basic and polar, with glycine, which is neutral and non-polar, at codon 483 of the ANK3 protein (p.Arg483Gly). This variant is present in population databases (rs377592480, gnomAD 0.003%). This variant has not been reported in the literature in individuals affected with ANK3-related conditions. Advanced modeling of protein sequence and biophysical properties (such as structural, functional, and spatial information, amino acid conservation, physicochemical variation, residue mobility, and thermodynamic stability) performed at Invitae indicates that this missense variant is not expected to disrupt ANK3 protein function with a negative predictive value of 80%. In summary, the available evidence is currently insufficient to determine the role of this variant in disease. Therefore, it has been classified as a Variant of Uncertain Significance.